The following is an entry in ClinVar:

ClinVar aggregate classification (germline): Conflicting classifications of pathogenicity. Review status: criteria provided, conflicting classifications (1 of 4 stars). 3 submissions from 3 submitters: Uncertain significance (2); Likely benign (1). Last evaluated 2026-02-20.

Conditions:
VCAN-related disorder. Also called: VCAN-related condition.

Allele frequency attached by ClinVar (database versions not stated): ESP Exome Variant Server 0.00008; TOPMed 0.00009.
gnomAD v4.1: 103 of 1,613,872 alleles (0.0064%); highest among the groups gnomAD compares: Non-Finnish European, 0.008%; no homozygotes.

Submissions (3):

PreventionGenetics, part of Exact Sciences
Classification: Uncertain significance for VCAN-related condition. Last evaluated: 2026-02-20. Review status: criteria provided, single submitter. Criteria: ACMG Guidelines, 2015. Collection method: clinical testing. Allele origin: germline.
Comment: The VCAN c.6088G>A variant is predicted to result in the amino acid substitution p.Val2030Met. To our knowledge, this variant has not been reported in the literature. This variant is reported in 0.024% of alleles in individuals of European (Non-Finnish) descent in gnomAD. At this time, the clinical significance of this variant is uncertain due to the absence of conclusive functional and genetic evidence.

Labcorp Genetics (formerly Invitae), Labcorp
Classification: Uncertain significance. Last evaluated: 2025-09-08. Review status: criteria provided, single submitter. Criteria: Invitae Variant Classification Sherloc (09022015). Collection method: clinical testing. Allele origin: germline.
Comment: This sequence change replaces valine, which is neutral and non-polar, with methionine, which is neutral and non-polar, at codon 2030 of the VCAN protein (p.Val2030Met). This variant is present in population databases (rs150331976, gnomAD 0.02%). This variant has not been reported in the literature in individuals affected with VCAN-related conditions. ClinVar contains an entry for this variant (Variation ID: 852569). An algorithm developed to predict the effect of missense changes on protein structure and function outputs the following: PolyPhen-2: "Benign". The methionine amino acid residue is found in multiple mammalian species, which suggests that this missense change does not adversely affect protein function. In summary, the available evidence is currently insufficient to determine the role of this variant in disease. Therefore, it has been classified as a Variant of Uncertain Significance.

Blueprint Genetics
Classification: Likely benign. Last evaluated: 2024-05-14. Review status: criteria provided, single submitter. Criteria: ACMG Guidelines, 2015. Collection method: clinical testing. Allele origin: germline.

NM_004385.5(VCAN):c.6088G>A (p.Val2030Met)

Genes: VCAN (versican; plus strand), VCAN-AS1 (VCAN antisense RNA 1; minus strand). Cytogenetic location: 5q14.3.
Variant type: single nucleotide variant.
Coding change: c.6088G>A on transcript NM_004385.5 (MANE Select); coding-DNA position 6088, G replaced by A.
Protein change: p.Val2030Met; replaces valine 2030 with methionine.
Molecular consequence: missense variant. On other transcripts: intron variant (2).
Genome position (GRCh38, 1-based): chr5:83,539,091, G>A. VCF-style: chr5-83539091-G-A. GRCh37 (hg19) VCF-style: chr5-82834910-G-A.
Other names: c.3127G>A, p.Val1043Met (NM_001164097.2); c.4004-6446G>A (NM_001164098.2); c.1043-6446G>A (NM_001126336.3); short protein forms V2030M, V1043M.
Identifiers: ClinVar variation 852569 (VCV000852569.11), dbSNP rs150331976, ClinGen allele CA3333428.